The following is an entry in ClinVar:

NM_000053.4(ATP7B):c.2293G>A (p.Asp765Asn)

Gene: ATP7B (ATPase copper transporting beta; minus strand). Cytogenetic location: 13q14.3.
Variant type: single nucleotide variant.
Coding change: c.2293G>A on transcript NM_000053.4 (MANE Select); coding-DNA position 2293, G replaced by A.
Protein change: p.Asp765Asn; replaces aspartic acid 765 with asparagine.
Molecular consequence: missense variant. On other transcripts: intron variant (2).
Genome position (GRCh38, 1-based): chr13:51,958,373, C>T on the plus strand (G>A on the coding strand, the complement: ATP7B is on the minus strand). VCF-style: chr13-51958373-C-T. GRCh37 (hg19) VCF-style: chr13-52532509-C-T.
Other names: c.1960G>A, p.Asp654Asn (NM_001243182.2); c.2041G>A, p.Asp681Asn (NM_001330579.2); c.1870-766G>A (NM_001005918.3); c.2122-766G>A (NM_001330578.2); short protein forms D765N, D654N, D681N.
Identifiers: ClinVar variation 3855 (VCV000003855.25), dbSNP rs28942075, ClinGen allele CA252893.
Genomic context (GRCh38, chr13:51,958,373, plus strand): 5'-TTGCCAAGTGTTCCAGCCACCGGCCCAGGGCAATGAACACAAAGAGCATGGGGGGCGTGT[C>T]GAAGAATGTCACAGGGCTCCTCTCCGCCTTCTCAGCCACAGCAACCACCAGGATGACCAG-3'
Protein context (NP_000044.2, residues 755-775): KAERSPVTFF[Asp765Asn]TPPMLFVFIA

ClinVar aggregate classification (germline): Pathogenic/Likely pathogenic. Review status: criteria provided, multiple submitters, no conflicts (2 of 4 stars). 13 submissions from 13 submitters: Pathogenic (10); Likely pathogenic (1). 2 of the submissions do not count toward it. Last evaluated 2025-08-11.

Conditions:
ATP7B-related disorder. Also called: ATP7B-related condition.
Wilson disease (WND). Also called: Wilson's disease. Identifiers: Orphanet 905, MedGen C0019202, MONDO:0010200, OMIM 277900. Disease mechanism: loss of function.

Allele frequency attached by ClinVar (database versions not stated): gnomAD 0.00001.
gnomAD v4.1: 14 of 1,614,042 alleles (0.00087%); highest among the groups gnomAD compares: Middle Eastern, 0.016%; no homozygotes.

Submissions (13):

Natera, Inc.
Classification: Pathogenic for Wilson disease. Last evaluated: 2025-08-11. Review status: criteria provided, single submitter. Criteria: Natera Variant Classification Schema (03/2026). Collection method: clinical testing. Allele origin: germline.
Comment: The c.2293G>A variant in ATP7B is a missense variant predicted to cause substitution of aspartic acid to asparagine at amino acid 765. This variant is rare in the general population with a frequency below the threshold expected for the associated phenotype(s). This variant has been observed in one or more individuals affected with the associated recessive disease, as either homozygous or compound heterozygous with a second variant (PMID: 35220961). Computational prediction algorithms indicate this variant is likely to affect gene or protein function. Given the available evidence, this variant is classified as Pathogenic.

Labcorp Genetics (formerly Invitae), Labcorp
Classification: Pathogenic for Wilson disease. Last evaluated: 2025-03-29. Review status: criteria provided, single submitter. Criteria: Invitae Variant Classification Sherloc (09022015). Collection method: clinical testing. Allele origin: germline.
Comment: This sequence change replaces aspartic acid, which is acidic and polar, with asparagine, which is neutral and polar, at codon 765 of the ATP7B protein (p.Asp765Asn). This variant is not present in population databases (gnomAD no frequency). This missense change has been observed in individuals with Wilson disease (PMID: 15024742, 20517649). This variant is also known as Asp766Asn. ClinVar contains an entry for this variant (Variation ID: 3855). Invitae Evidence Modeling of protein sequence and biophysical properties (such as structural, functional, and spatial information, amino acid conservation, physicochemical variation, residue mobility, and thermodynamic stability) indicates that this missense variant is expected to disrupt ATP7B protein function with a positive predictive value of 80%. Experimental studies have shown that this missense change affects ATP7B function (PMID: 9837819, 10942420). This variant disrupts the p.Asp765 amino acid residue in ATP7B. Other variant(s) that disrupt this residue have been determined to be pathogenic (PMID: 23843956, 30384382). This suggests that this residue is clinically significant, and that variants that disrupt this residue are likely to be disease-causing. For these reasons, this variant has been classified as Pathogenic.

Lildballe Lab, Aarhus University Hospital
Classification: Pathogenic for Wilson disease. Last evaluated: 2024-08-29. Review status: criteria provided, single submitter. Criteria: ACMG Guidelines, 2015. Collection method: clinical testing. Allele origin: germline. Affected: yes.
Comment: PP5, PP3, PM1, PM5, PP3, PM2

All of Us Research Program, National Institutes of Health
Classification: Pathogenic for Wilson disease. Last evaluated: 2024-08-06. Review status: criteria provided, single submitter. Criteria: ACMG Guidelines, 2015. Collection method: clinical testing. Allele origin: germline. Inheritance: Autosomal recessive inheritance. Observed: 6 variant alleles, 6 heterozygotes.
Comment: This missense variant replaces aspartic acid with asparagine at codon 765 of the ATP7B protein. Computational prediction suggests that this variant may have deleterious impact on protein structure and function (internally defined REVEL score threshold >= 0.7, PMID: 27666373). Experimental studies have shown partial loss of function and mislocalization in yeast and human cell assays (PMID: 9837819, 10942420, 12557139). This variant has been observed in individuals affected with autosomal recessive Wilson disease, including in the compound heterozygous state and homozygous state (PMID: 15024742, 16283883, 20517649, 23333878, 23518715, 31708252, 33783954, 36588756). This variant has not been identified in the general population by the Genome Aggregation Database (gnomAD). A different variant affecting the same codon, c.2294A>G (p.Asp765Gly), is considered to be disease-causing (ClinVar variation ID: 495406), suggesting that Asp at this position is important for the protein function. Based on the available evidence, this variant is classified as Pathogenic.

This study involves interpretation of variants in research participants for the purpose of population health screening. Participant phenotype was not available at the time of variant classification. Additional details can be found in publication PMID: 35346344, PMCID: PMC8962531

Blueprint Genetics
Classification: Pathogenic for ATP7B-related disorders. Last evaluated: 2024-06-07. Review status: criteria provided, single submitter. Criteria: ACMG Guidelines, 2015. Collection method: clinical testing. Allele origin: germline. Affected: yes. Observed: 4 variant alleles.

Baylor Genetics
Classification: Pathogenic for Wilson disease. Last evaluated: 2023-11-15. Review status: criteria provided, single submitter. Criteria: ACMG Guidelines, 2015. Collection method: clinical testing. Allele origin: unknown.

3billion
Classification: Pathogenic for Wilson disease. Last evaluated: 2023-06-29. Review status: criteria provided, single submitter. Criteria: ACMG Guidelines, 2015. Collection method: clinical testing. Allele origin: germline. Affected: yes.
Comment: The variant is not observed in the gnomAD v2.1.1 dataset. Predicted Consequence/Location: Missense variant In silico tool predictions suggest damaging effect of the variant on gene or gene product (REVEL: 0.85; 3Cnet: 0.38). Same nucleotide change resulting in same amino acid change has been previously reported as pathogenic/likely pathogenic with strong evidence (ClinVar ID: VCV000003855 /PMID: 8533760 /3billion dataset). The variant has been reported to be in trans with a pathogenic variant as either compound heterozygous or homozygous in at least 2 similarly affected unrelated individuals (PMID: 15024742, 20517649). Different missense changes at the same codon (p.Asp765Glu, p.Asp765Gly, p.Asp765His) have been reported as pathogenic/likely pathogenic with strong evidence (ClinVar ID: VCV000495406, VCV001493006 /PMID: 14986826, 22484412). Therefore, this variant is classified as Pathogenic according to the recommendation of ACMG/AMP guideline.

Women's Health and Genetics/Laboratory Corporation of America, LabCorp
Classification: Pathogenic for Wilson disease. Last evaluated: 2022-04-01. Review status: criteria provided, single submitter. Criteria: LabCorp Variant Classification Summary - May 2015. Collection method: clinical testing. Allele origin: germline.
Comment: Variant summary: ATP7B c.2293G>A (p.Asp765Asn) results in a conservative amino acid change in the encoded protein sequence. Four of five in-silico tools predict a damaging effect of the variant on protein function. The variant was absent in 249564 control chromosomes. c.2293G>A has been reported in the literature in multiple individuals affected with Wilson Disease. These data indicate that the variant is very likely to be associated with disease. Four clinical diagnostic laboratories have submitted clinical-significance assessments for this variant to ClinVar after 2014 without evidence for independent evaluation. All laboratories classified the variant as pathogenic. Based on the evidence outlined above, the variant was classified as pathogenic.

Genome-Nilou Lab
Classification: Pathogenic for Wilson disease. Last evaluated: 2021-08-10. Review status: criteria provided, single submitter. Criteria: ACMG Guidelines, 2015. Collection method: clinical testing. Allele origin: germline. Affected: no.

Laboratory for Molecular Medicine, Mass General Brigham Personalized Medicine
Classification: Likely pathogenic for Wilson disease. Last evaluated: 2020-06-11. Review status: criteria provided, single submitter. Criteria: ACMG Guidelines, 2015. Collection method: clinical testing. Allele origin: germline.
Comment: The p.Asp765Asn variant in ATP7B has been observed several individuals with Wilson disease, including at least 3 homozygotes, and segregated with disease in 2 affected relatives (Abdelghaffar 2008, Caca 2001, Curtis 1999, Deguti 2004, Figus 1995, Gromadzka 2005, Kalinsky 1998). It was absent from large population studies. The variant has also been reported in ClinVar (Variation ID 3855). Computational prediction tools and conservation analysis suggest that this variant may impact the protein, though this information is not predictive enough to determine its pathogenicity. In vitro functional studies in yeast and Chinese hamster ovary cells support an impact on protein function (Forbes 2000). Two additional variants involving this codon (p.Asp765Gly, p.Asp765His) have also been identified in individuals with Wilson disease. In summary, although additional studies are required to fully establish its clinical significance, this variant meets criteria to be classified as likely pathogenic for autosomal recessive Wilson disease. ACMG/AMP Criteria applied: PM2, PM3, PP1_Moderate, PP3, PP4, PS3_Supporting.

Genetic Services Laboratory, University of Chicago
Classification: Pathogenic for Wilson's disease. Last evaluated: 2018-03-15. Review status: criteria provided, single submitter. Criteria: ACMG Guidelines, 2015. Collection method: clinical testing. Allele origin: germline. Affected: yes.

Counsyl
Classification: Pathogenic for Wilson disease. Last evaluated: 2016-08-01. Review status: no assertion criteria provided. Collection method: clinical testing. Allele origin: unknown. Not counted in ClinVar's aggregate classification.

OMIM
Classification: Pathogenic for WILSON DISEASE. Last evaluated: 1995-12-01. Review status: no assertion criteria provided. Collection method: literature only. Allele origin: germline. Not counted in ClinVar's aggregate classification.

Literature cited by the submitters: PubMed 35220961 (cited by Natera, Inc.); PubMed 15024742 (cited by 5 submitters); PubMed 20517649 (cited by 4 submitters); PubMed 9837819 (cited by 3 submitters); PubMed 10942420 (cited by 3 submitters); PubMed 23843956 (cited by Labcorp Genetics (formerly Invitae), Labcorp); PubMed 30384382 (cited by Labcorp Genetics (formerly Invitae), Labcorp); PubMed 12557139 (cited by All of Us Research Program, National Institutes of Health and Counsyl); PubMed 16283883 (cited by All of Us Research Program, National Institutes of Health and Laboratory for Molecular Medicine, Mass General Brigham Personalized Medicine); PubMed 23333878 (cited by All of Us Research Program, National Institutes of Health and Counsyl); PubMed 23518715 (cited by All of Us Research Program, National Institutes of Health and Counsyl); PubMed 31708252 (cited by All of Us Research Program, National Institutes of Health and Women's Health and Genetics/Laboratory Corporation of America, LabCorp); PubMed 33783954 (cited by All of Us Research Program, National Institutes of Health); PubMed 36588756 (cited by All of Us Research Program, National Institutes of Health); PubMed 8533760 (cited by 3 submitters); PubMed 14986826 (cited by 3billion); PubMed 9482578 (cited by 3 submitters); PubMed 17717039 (cited by Laboratory for Molecular Medicine, Mass General Brigham Personalized Medicine); PubMed 18483695 (cited by Laboratory for Molecular Medicine, Mass General Brigham Personalized Medicine); PubMed 11690702 (cited by Laboratory for Molecular Medicine, Mass General Brigham Personalized Medicine); PubMed 10502777 (cited by Laboratory for Molecular Medicine, Mass General Brigham Personalized Medicine); PubMed 21682854 (cited by Counsyl).